The following is an entry in ClinVar:

NM_006073.4(TRDN):c.371G>A (p.Gly124Asp)

Gene: TRDN (triadin; minus strand). Cytogenetic location: 6q22.31.
Variant type: single nucleotide variant.
Coding change: c.371G>A on transcript NM_006073.4 (MANE Select); coding-DNA position 371, G replaced by A.
Protein change: p.Gly124Asp; replaces glycine 124 with aspartic acid.
Molecular consequence: missense variant.
Genome position (GRCh38, 1-based): chr6:123,548,474, C>T on the plus strand (G>A on the coding strand, the complement: TRDN is on the minus strand). VCF-style: chr6-123548474-C-T. GRCh37 (hg19) VCF-style: chr6-123869619-C-T.
Other names: c.371G>A, p.Gly124Asp (NM_001251987.2, NM_001256020.2, NM_001256021.2 and 1 more transcripts); c.371G>A (NM_006073.2); short protein forms G124D.
Identifiers: ClinVar variation 1420344 (VCV001420344.7), dbSNP rs1781225730, ClinGen allele CA365568682.

ClinVar aggregate classification (germline): Conflicting classifications of pathogenicity. Review status: criteria provided, conflicting classifications (1 of 4 stars). 2 submissions from 2 submitters: Uncertain significance (1); Likely benign (1). Last evaluated 2026-06-22.

Conditions:
Cardiovascular phenotype. Identifiers: MedGen CN230736.
Catecholaminergic polymorphic ventricular tachycardia 1. Also called: RYR2-Related Catecholaminergic Polymorphic Ventricular Tachycardia; VENTRICULAR TACHYCARDIA, STRESS-INDUCED POLYMORPHIC 1; VENTRICULAR TACHYCARDIA, CATECHOLAMINERGIC POLYMORPHIC, 1, WITH OR WITHOUT ATRIAL DYSFUNCTION AND/OR DILATED CARDIOMYOPATHY. Identifiers: Orphanet 3286, MedGen C1631597, MONDO:0011484, OMIM 604772.

Allele frequency attached by ClinVar (database versions not stated): TOPMed 0.00001; gnomAD 0.00001.

Submissions (2):

Ambry Genetics
Classification: Likely benign for Cardiovascular phenotype. Last evaluated: 2026-06-22. Review status: criteria provided, single submitter. Criteria: Ambry Variant Classification Scheme 2023. Collection method: clinical testing. Allele origin: germline.

Labcorp Genetics (formerly Invitae), Labcorp
Classification: Uncertain significance for Catecholaminergic polymorphic ventricular tachycardia 1. Last evaluated: 2022-09-01. Review status: criteria provided, single submitter. Criteria: Invitae Variant Classification Sherloc (09022015). Collection method: clinical testing. Allele origin: germline.
Comment: This sequence change replaces glycine, which is neutral and non-polar, with aspartic acid, which is acidic and polar, at codon 124 of the TRDN protein (p.Gly124Asp). This variant is not present in population databases (gnomAD no frequency). This variant has not been reported in the literature in individuals affected with TRDN-related conditions. ClinVar contains an entry for this variant (Variation ID: 1420344). Algorithms developed to predict the effect of missense changes on protein structure and function output the following: SIFT: "Tolerated"; PolyPhen-2: "Not Available"; Align-GVGD: "Class C0". The aspartic acid amino acid residue is found in multiple mammalian species, which suggests that this missense change does not adversely affect protein function. In summary, the available evidence is currently insufficient to determine the role of this variant in disease. Therefore, it has been classified as a Variant of Uncertain Significance.